The following is an entry in ClinVar:

ClinVar aggregate classification (germline): Likely benign (1 of 4 stars; one submission).

gnomAD v4.1: 36 of 1,210,326 alleles (0.003%); highest among the groups gnomAD compares: Middle Eastern, 0.14%; 1 homozygote.

Submission:

CeGaT Center for Human Genetics Tuebingen
Classification: Likely benign. Last evaluated: 2026-01-01. Review status: criteria provided, single submitter. Criteria: CeGaT Center For Human Genetics Tuebingen Variant Classification Criteria Version 2. Collection method: clinical testing. Allele origin: germline. Affected: yes. Observed: 1 variant allele.
Comment: KIF4A: BP4, BP7, BS2

NM_012310.5(KIF4A):c.735A>G (p.Glu245=)

Gene: KIF4A (kinesin family member 4A; plus strand). Cytogenetic location: Xq13.1.
Variant type: single nucleotide variant.
Coding change: c.735A>G on transcript NM_012310.5 (MANE Select); coding-DNA position 735, A replaced by G.
Protein change: p.Glu245=; no amino-acid change (glutamic acid 245 retained).
Molecular consequence: synonymous variant.
Genome position (GRCh38, 1-based): chrX:70,302,355, A>G. VCF-style: chrX-70302355-A-G. GRCh37 (hg19) VCF-style: chrX-69522205-A-G.
Identifiers: ClinVar variation 4821578 (VCV004821578.4).